The following is an entry in ClinVar:

ClinVar aggregate classification (germline): Benign/Likely benign. Review status: criteria provided, multiple submitters, no conflicts (2 of 4 stars). 3 submissions from 3 submitters: Benign (1); Likely benign (2). Last evaluated 2026-01-26.

Conditions:
Curry-Hall syndrome (WAD). Also called: WEYERS ACRODENTAL DYSOSTOSIS. Identifiers: Orphanet 952, MedGen C0457013, MONDO:0008673, OMIM 193530.
Ellis-van Creveld syndrome (EVC). Also called: MESOECTODERMAL DYSPLASIA; Chondroectodermal dysplasia. Identifiers: Orphanet 289, MedGen C0013903, MONDO:0009162, OMIM 225500.

Allele frequency attached by ClinVar (database versions not stated): gnomAD exomes 0.00007 and 0.00016; 1000 Genomes Project 30x 0.00016; ExAC 0.00019; 1000 Genomes Project 0.00020; TOPMed 0.00039; gnomAD 0.00047 and 0.00051; ESP Exome Variant Server 0.00054.
gnomAD v4.1: 168 of 1,614,172 alleles (0.01%); highest among the groups gnomAD compares: African/African-American, 0.15%; 2 homozygotes.

Submissions (3):

Labcorp Genetics (formerly Invitae), Labcorp
Classification: Benign for Curry-Hall syndrome; Ellis-van Creveld syndrome. Last evaluated: 2026-01-26. Review status: criteria provided, single submitter. Criteria: Invitae Variant Classification Sherloc (09022015). Collection method: clinical testing. Allele origin: germline.

Blueprint Genetics
Classification: Likely benign. Last evaluated: 2024-09-24. Review status: criteria provided, single submitter. Criteria: ACMG Guidelines, 2015. Collection method: clinical testing. Allele origin: germline.

CeGaT Center for Human Genetics Tuebingen
Classification: Likely benign. Last evaluated: 2023-09-01. Review status: criteria provided, single submitter. Criteria: CeGaT Center For Human Genetics Tuebingen Variant Classification Criteria Version 2. Collection method: clinical testing. Allele origin: germline. Affected: yes. Observed: 1 variant allele.
Comment: EVC2: BP4, BP7

NM_147127.5(EVC2):c.2178G>A (p.Glu726=)

Gene: EVC2 (EvC ciliary complex subunit 2; minus strand). Cytogenetic location: 4p16.2.
Variant type: single nucleotide variant.
Coding change: c.2178G>A on transcript NM_147127.5 (MANE Select); coding-DNA position 2178, G replaced by A.
Protein change: p.Glu726=; no amino-acid change (glutamic acid 726 retained).
Molecular consequence: synonymous variant.
Genome position (GRCh38, 1-based): chr4:5,622,860, C>T on the plus strand (G>A on the coding strand, the complement: EVC2 is on the minus strand). VCF-style: chr4-5622860-C-T. GRCh37 (hg19) VCF-style: chr4-5624587-C-T.
Other names: c.1938G>A, p.Glu646= (NM_001166136.2).
Identifiers: ClinVar variation 772102 (VCV000772102.36), dbSNP rs147015327, ClinGen allele CA2834785.